The following is an entry in ClinVar:

NM_000432.4(MYL2):c.302A>G (p.Asn101Ser)

Gene: MYL2 (myosin light chain 2; minus strand). Cytogenetic location: 12q24.11.
Variant type: single nucleotide variant.
Coding change: c.302A>G on transcript NM_000432.4 (MANE Select); coding-DNA position 302, A replaced by G.
Protein change: p.Asn101Ser; replaces asparagine 101 with serine.
Molecular consequence: missense variant.
Genome position (GRCh38, 1-based): chr12:110,913,297, T>C on the plus strand (A>G on the coding strand, the complement: MYL2 is on the minus strand). VCF-style: chr12-110913297-T-C. GRCh37 (hg19) VCF-style: chr12-111351101-T-C.
Other names: short protein forms N101S.
Identifiers: ClinVar variation 307213 (VCV000307213.18), dbSNP rs886048960, ClinGen allele CA10640938.

ClinVar aggregate classification (germline): Uncertain significance. Review status: criteria provided, multiple submitters, no conflicts (2 of 4 stars). 3 submissions from 3 submitters: Uncertain significance (3). Last evaluated 2025-07-13.

Conditions:
Cardiomyopathy (CMYO). Also called: Cardiomyopathies. Identifiers: Orphanet 167848, MedGen C0878544, MONDO:0004994, HP:0001638. Inheritance: Various modes of inheritance.
Hypertrophic cardiomyopathy 10. Also called: CARDIOMYOPATHY, HYPERTROPHIC, MID-LEFT VENTRICULAR CHAMBER TYPE, 2; MYL2-Related Familial Hypertrophic Cardiomyopathy. Identifiers: MedGen C1834460, MONDO:0012112, OMIM 608758.

Allele frequency attached by ClinVar (database versions not stated): gnomAD exomes below 0.00001.
gnomAD v4.1: 3 of 1,614,204 alleles (0.00019%); highest among the groups gnomAD compares: East Asian, 0.0022%; no homozygotes.

Submissions (3):

Labcorp Genetics (formerly Invitae), Labcorp
Classification: Uncertain significance for Hypertrophic cardiomyopathy 10. Last evaluated: 2025-07-13. Review status: criteria provided, single submitter. Criteria: Invitae Variant Classification Sherloc (09022015). Collection method: clinical testing. Allele origin: germline.
Comment: This sequence change replaces asparagine, which is neutral and polar, with serine, which is neutral and polar, at codon 101 of the MYL2 protein (p.Asn101Ser). This variant is not present in population databases (gnomAD no frequency). This variant has not been reported in the literature in individuals affected with MYL2-related conditions. ClinVar contains an entry for this variant (Variation ID: 307213). An algorithm developed to predict the effect of missense changes on protein structure and function (PolyPhen-2) suggests that this variant is likely to be tolerated. In summary, the available evidence is currently insufficient to determine the role of this variant in disease. Therefore, it has been classified as a Variant of Uncertain Significance.

Color Diagnostics, LLC DBA Color Health
Classification: Uncertain significance for Cardiomyopathy. Last evaluated: 2023-12-05. Review status: criteria provided, single submitter. Criteria: ACMG Guidelines, 2015. Collection method: clinical testing. Allele origin: germline.
Comment: Variant of Uncertain Significance due to insufficient evidence: This missense variant is located in the EF hand domain 2 of the MYL2 protein. Computational prediction tools and conservation analyses are inconclusive regarding the impact of this variant on the protein function. Computational splicing tools suggest that this variant may not impact RNA splicing. To our knowledge, functional assays have not been performed for this variant nor has this variant been reported in individuals affected with cardiovascular disorders in the literature. This variant is rare in the general population and has been identified in 0/277264 chromosomes by the Genome Aggregation Database (gnomAD). Available evidence is insufficient to determine the role of this variant in disease conclusively.

Illumina Laboratory Services, Illumina
Classification: Uncertain significance for Hypertrophic cardiomyopathy 10. Last evaluated: 2018-01-13. Review status: criteria provided, single submitter. Criteria: ICSL Variant Classification Criteria 13 December 2019. Collection method: clinical testing. Allele origin: germline.